The following is an entry in ClinVar:

ClinVar aggregate classification (germline): Uncertain significance (1 of 4 stars; one submission).

Conditions:
Autosomal recessive limb-girdle muscular dystrophy type R18 (LGMDR18). Also called: Autosomal recessive limb-girdle muscular dystrophy type 2S; Limb-girdle muscular dystrophy, type 2S; MUSCULAR DYSTROPHY, LIMB-GIRDLE, AUTOSOMAL RECESSIVE 18. Identifiers: Orphanet 369840, MedGen C4517996, MONDO:0014144, OMIM 615356.

Allele frequency attached by ClinVar (database versions not stated): gnomAD exomes below 0.00001.
gnomAD v4.1: 3 of 1,614,132 alleles (0.00019%); highest among the groups gnomAD compares: Non-Finnish European, 0.00017%; no homozygotes.

Submission:

Labcorp Genetics (formerly Invitae), Labcorp
Classification: Uncertain significance for Autosomal recessive limb-girdle muscular dystrophy type R18. Last evaluated: 2020-05-21. Review status: criteria provided, single submitter. Criteria: Invitae Variant Classification Sherloc (09022015). Collection method: clinical testing. Allele origin: germline.
Comment: In summary, the available evidence is currently insufficient to determine the role of this variant in disease. Therefore, it has been classified as a Variant of Uncertain Significance. Algorithms developed to predict the effect of missense changes on protein structure and function are either unavailable or do not agree on the potential impact of this missense change (SIFT: "Tolerated"; PolyPhen-2: "Probably Damaging"; Align-GVGD: "Class C0"). This variant has not been reported in the literature in individuals with TRAPPC11-related conditions. This variant is not present in population databases (ExAC no frequency). This sequence change replaces leucine with phenylalanine at codon 925 of the TRAPPC11 protein (p.Leu925Phe). The leucine residue is highly conserved and there is a small physicochemical difference between leucine and phenylalanine.

NM_021942.6(TRAPPC11):c.2773C>T (p.Leu925Phe)

Gene: TRAPPC11 (trafficking protein particle complex subunit 11; plus strand). Cytogenetic location: 4q35.1.
Variant type: single nucleotide variant.
Coding change: c.2773C>T on transcript NM_021942.6 (MANE Select); coding-DNA position 2773, C replaced by T.
Protein change: p.Leu925Phe; replaces leucine 925 with phenylalanine.
Molecular consequence: missense variant.
Genome position (GRCh38, 1-based): chr4:183,697,757, C>T. VCF-style: chr4-183697757-C-T. GRCh37 (hg19) VCF-style: chr4-184618910-C-T.
Other names: c.2773C>T, p.Leu925Phe (NM_199053.3); short protein forms L925F.
Identifiers: ClinVar variation 1060954 (VCV001060954.7), dbSNP rs1455981485, ClinGen allele CA358873245.
Genomic context (GRCh38, chr4:183,697,757, plus strand): 5'-GTTTATGCTGACATCCCCTTTCTGTTGATGACGGACCTCTTAAGTGCCTCACCCTGGGCC[C>T]TCACTATTGTTTCCAGTGAGCTCCAGCTTGCTCCATCCATGACCACAGTGGACCAGCTCG-3'
Protein context (NP_068761.4, residues 915-935): TDLLSASPWA[Leu925Phe]TIVSSELQLA